The following is an entry in ClinVar:

NM_001394062.1(MACF1):c.2631C>T (p.Ile877=)

Gene: MACF1 (microtubule actin crosslinking factor 1; plus strand). Cytogenetic location: 1p34.3.
Variant type: single nucleotide variant.
Coding change: c.2631C>T on transcript NM_001394062.1 (MANE Select); coding-DNA position 2631, C replaced by T.
Protein change: p.Ile877=; no amino-acid change (isoleucine 877 retained).
Molecular consequence: synonymous variant.
Genome position (GRCh38, 1-based): chr1:39,300,359, C>T. VCF-style: chr1-39300359-C-T. GRCh37 (hg19) VCF-style: chr1-39766031-C-T.
Other names: c.2646C>T, p.Ile882= (NM_012090.5).
Identifiers: ClinVar variation 3050352 (VCV003050352.2), dbSNP rs770860508, ClinGen allele CA779761.

ClinVar aggregate classification (germline): Likely benign (0 of 4 stars; one submission).

Conditions:
MACF1-related disorder. Also called: MACF1-related condition.

gnomAD v4.1: 36 of 1,612,460 alleles (0.0022%); highest among the groups gnomAD compares: East Asian, 0.065%; 1 homozygote.

Submission:

PreventionGenetics, part of Exact Sciences
Classification: Likely benign for MACF1-related condition. Last evaluated: 2019-07-17. Review status: no assertion criteria provided. Collection method: clinical testing. Allele origin: germline.
Comment: This variant is classified as likely benign based on ACMG/AMP sequence variant interpretation guidelines (Richards et al. 2015 PMID: 25741868, with internal and published modifications).